The following is an entry in ClinVar:

NM_198428.3(BBS9):c.2318A>C (p.Asp773Ala)

Gene: BBS9 (Bardet-Biedl syndrome 9; plus strand). Cytogenetic location: 7p14.3.
Variant type: single nucleotide variant.
Coding change: c.2318A>C on transcript NM_198428.3 (MANE Select); coding-DNA position 2318, A replaced by C.
Protein change: p.Asp773Ala; replaces aspartic acid 773 with alanine.
Molecular consequence: missense variant. On other transcripts: non-coding transcript variant (3).
Genome position (GRCh38, 1-based): chr7:33,533,973, A>C. VCF-style: chr7-33533973-A-C. GRCh37 (hg19) VCF-style: chr7-33573585-A-C.
Other names: c.2213A>C, p.Asp738Ala (NM_001033604.2); c.2303A>C, p.Asp768Ala (NM_001033605.2); c.2318A>C, p.Asp773Ala (NM_001348036.1, NM_001348041.4, NM_001348043.3 and 1 more transcripts); c.1769A>C, p.Asp590Ala (NM_001348037.3); c.2045A>C, p.Asp682Ala (NM_001348038.3); c.1940A>C, p.Asp647Ala (NM_001348039.3); c.2198A>C, p.Asp733Ala (NM_001348040.3, NM_014451.4); c.2183A>C, p.Asp728Ala (NM_001348042.3); and 3 more; short protein forms D768A, D590A, D682A, D616A, D647A, D728A, D733A, D738A.
Identifiers: ClinVar variation 3594579 (VCV003594579.2).
Genomic context (GRCh38, chr7:33,533,973, plus strand): 5'-TGTCATCTTTGTATTAATTCAAAATTGGCTTTTGTATCCAGGGCTGGGAAGAAACGGTGG[A>C]TGCCGCCATTTCCCACCTGTTGAAGACTTGCCTGTCGAAGAGTTCTAAGGAGCAGGCTTT-3'
Protein context (NP_940820.1, residues 763-783): TQELGWEETV[Asp773Ala]AAISHLLKTC

ClinVar aggregate classification (germline): Uncertain significance. Review status: criteria provided, multiple submitters, no conflicts (2 of 4 stars). 2 submissions from 2 submitters: Uncertain significance (2). Last evaluated 2024-11-15.

Conditions:
BBS9-related disorder. Also called: BBS9-related condition.
Bardet-Biedl syndrome 9 (BBS9). Identifiers: Orphanet 110, MedGen C1859567, MONDO:0014437, OMIM 615986.

Submissions (2):

PreventionGenetics, part of Exact Sciences
Classification: Uncertain significance for BBS9-related condition. Last evaluated: 2024-11-15. Review status: criteria provided, single submitter. Criteria: ACMG Guidelines, 2015. Collection method: clinical testing. Allele origin: germline.
Comment: The BBS9 c.2318A>C variant is predicted to result in the amino acid substitution p.Asp773Ala. To our knowledge, this variant has not been reported in the literature or in a large population database (gnomAD), indicating this variant is rare. At this time, the clinical significance of this variant is uncertain due to the absence of conclusive functional and genetic evidence.

Fulgent Genetics
Classification: Uncertain significance for Bardet-Biedl syndrome 9. Last evaluated: 2024-04-28. Review status: criteria provided, single submitter. Criteria: ACMG Guidelines, 2015. Collection method: clinical testing. Allele origin: germline.